The following is an entry in ClinVar:

ClinVar aggregate classification (germline): Pathogenic (1 of 4 stars; one submission).

Conditions:
Developmental and epileptic encephalopathy, 35 (DEE35). Also called: Epileptic encephalopathy, early infantile, 35. Identifiers: Orphanet 457375, MedGen C4225256, MONDO:0014719, OMIM 616647.

Submission:

3billion
Classification: Pathogenic for Developmental and epileptic encephalopathy, 35. Last evaluated: 2026-01-30. Review status: criteria provided, single submitter. Criteria: ACMG Guidelines, 2015. Collection method: clinical testing. Allele origin: germline. Affected: yes.
Comment: The variant is not observed in the gnomAD v4.1.0 dataset. Predicted Consequence/Location: Stop-gained (nonsense): predicted to result in a loss or disruption of normal protein function through nonsense-mediated decay (NMD) or protein truncation. Multiple pathogenic variants are reported downstream of the variant. The variant has been reported to be associated with ITPA-related disorder (ClinVar ID: VCV002444404 /PMID: 38221827 /3billion dataset). Therefore, this variant is classified as Pathogenic according to the recommendation of ACMG/AMP guideline.

Literature cited by the submitters: PubMed 38221827.

NM_033453.4(ITPA):c.142G>T (p.Glu48Ter)

Gene: ITPA (inosine triphosphatase; plus strand). Cytogenetic location: 20p13.
Variant type: single nucleotide variant.
Coding change: c.142G>T on transcript NM_033453.4 (MANE Select); coding-DNA position 142, G replaced by T.
Protein change: p.Glu48Ter; replaces glutamic acid 48 with a stop codon.
Molecular consequence: nonsense. On other transcripts: 5 prime UTR variant (4), intron variant (1).
Genome position (GRCh38, 1-based): chr20:3,213,336, G>T. VCF-style: chr20-3213336-G-T. GRCh37 (hg19) VCF-style: chr20-3193982-G-T.
Other names: c.-196G>T (NM_001324236.2, NM_001324237.2, NM_001324238.2 and 1 more transcripts); c.142G>T, p.Glu48Ter (NM_001324240.2, NM_001424408.1); c.268G>T, p.Glu90Ter (NM_001424409.1); c.91G>T, p.Glu31Ter (NM_181493.4); c.67-649G>T (NM_001267623.2); short protein forms E31*, E48*, E90*.
Identifiers: ClinVar variation 2444404 (VCV002444404.2), dbSNP rs2514425313, ClinGen allele CA408077096.